The following is an entry in ClinVar:

NM_001244926.2(PRPF4):c.1523C>G (p.Thr508Ser)

Gene: PRPF4 (pre-mRNA splicing tri-snRNP complex factor PRPF4; plus strand). Cytogenetic location: 9q32.
Variant type: single nucleotide variant.
Coding change: c.1523C>G on transcript NM_001244926.2 (MANE Select); coding-DNA position 1523, C replaced by G.
Protein change: p.Thr508Ser; replaces threonine 508 with serine.
Molecular consequence: missense variant. On other transcripts: non-coding transcript variant (2).
Genome position (GRCh38, 1-based): chr9:113,291,617, C>G. VCF-style: chr9-113291617-C-G. GRCh37 (hg19) VCF-style: chr9-116053897-C-G.
Other names: c.797C>G, p.Thr266Ser (NM_001322266.2, NM_001322267.2); c.1526C>G, p.Thr509Ser (NM_004697.5); short protein forms T509S, T266S, T508S.
Identifiers: ClinVar variation 1436849 (VCV001436849.8), dbSNP rs766838851, ClinGen allele CA5195192.

ClinVar aggregate classification (germline): Uncertain significance (1 of 4 stars; one submission).

Allele frequency attached by ClinVar (database versions not stated): TOPMed 0.00001; ExAC 0.00002; gnomAD exomes 0.00002.
gnomAD v4.1: 8 of 1,614,214 alleles (0.0005%); highest among the groups gnomAD compares: Admixed American, 0.0083%; no homozygotes.

Submission:

Labcorp Genetics (formerly Invitae), Labcorp
Classification: Uncertain significance. Last evaluated: 2024-03-04. Review status: criteria provided, single submitter. Criteria: Invitae Variant Classification Sherloc (09022015). Collection method: clinical testing. Allele origin: germline.
Comment: This sequence change replaces threonine, which is neutral and polar, with serine, which is neutral and polar, at codon 509 of the PRPF4 protein (p.Thr509Ser). This variant is present in population databases (rs766838851, gnomAD 0.01%). This variant has not been reported in the literature in individuals affected with PRPF4-related conditions. ClinVar contains an entry for this variant (Variation ID: 1436849). An algorithm developed to predict the effect of missense changes on protein structure and function (PolyPhen-2) suggests that this variant is likely to be disruptive. In summary, the available evidence is currently insufficient to determine the role of this variant in disease. Therefore, it has been classified as a Variant of Uncertain Significance.